The following is an entry in ClinVar:

NC_000005.10:g.112707487C>T

Genes: APC (APC regulator of Wnt signaling pathway; plus strand), LOC129994371 (ATAC-STARR-seq lymphoblastoid active region 22910; plus strand). Cytogenetic location: 5q22.2.
Variant type: single nucleotide variant.
Genome position: GRCh38 VCF-style: chr5-112707487-C-T. GRCh37 (hg19) VCF-style: chr5-112043184-C-T.
Identifiers: ClinVar variation 1057703 (VCV001057703.9), dbSNP rs1750567665, ClinGen allele CA2499217378.

ClinVar aggregate classification (germline): Uncertain significance (1 of 4 stars; one submission).

Conditions:
Familial adenomatous polyposis 1 (FAP1). Also called: FAMILIAL ADENOMATOUS POLYPOSIS 1, ATTENUATED; POLYPOSIS, ADENOMATOUS INTESTINAL. Identifiers: MedGen C2713442, MONDO:0021056, OMIM 175100. Disease mechanism: loss of function.

Submission:

Labcorp Genetics (formerly Invitae), Labcorp
Classification: Uncertain significance for Familial adenomatous polyposis 1. Last evaluated: 2025-12-08. Review status: criteria provided, single submitter. Criteria: Invitae Variant Classification Sherloc (09022015). Collection method: clinical testing. Allele origin: germline.
Comment: This variant occurs in a non-coding region of the APC gene. It does not change the encoded amino acid sequence of the APC protein. This variant is not present in population databases (gnomAD no frequency). This variant has not been reported in the literature in individuals affected with APC-related conditions. Experimental studies and prediction algorithms are not available or were not evaluated, and the functional significance of this variant is currently unknown. In summary, the available evidence is currently insufficient to determine the role of this variant in disease. Therefore, it has been classified as a Variant of Uncertain Significance.